The following is an entry in ClinVar:

NM_020964.3(EPG5):c.6825G>A (p.Met2275Ile)

Gene: EPG5 (ectopic P-granules 5 autophagy tethering factor; minus strand). Cytogenetic location: 18q12.3.
Variant type: single nucleotide variant.
Coding change: c.6825G>A on transcript NM_020964.3 (MANE Select); coding-DNA position 6825, G replaced by A.
Protein change: p.Met2275Ile; replaces methionine 2275 with isoleucine.
Molecular consequence: missense variant.
Genome position (GRCh38, 1-based): chr18:45,860,288, C>T on the plus strand (G>A on the coding strand, the complement: EPG5 is on the minus strand). VCF-style: chr18-45860288-C-T. GRCh37 (hg19) VCF-style: chr18-43440253-C-T.
Other names: short protein forms M2275I.
Identifiers: ClinVar variation 1052914 (VCV001052914.8), dbSNP rs768330083, ClinGen allele CA8948137.

ClinVar aggregate classification (germline): Uncertain significance. Review status: criteria provided, multiple submitters, no conflicts (2 of 4 stars). 2 submissions from 2 submitters: Uncertain significance (2). Last evaluated 2022-08-09.

Conditions:
Vici syndrome (VICIS). Identifiers: Orphanet 1493, MedGen C1855772, MONDO:0009452, OMIM 242840.

Allele frequency attached by ClinVar (database versions not stated): gnomAD exomes below 0.00001; ExAC 0.00001; TOPMed 0.00002; gnomAD 0.00004 and 0.00006.
gnomAD v4.1: 15 of 1,614,248 alleles (0.00093%); highest among the groups gnomAD compares: African/African-American, 0.017%; no homozygotes.

Submissions (2):

Labcorp Genetics (formerly Invitae), Labcorp
Classification: Uncertain significance for Vici syndrome. Last evaluated: 2022-08-09. Review status: criteria provided, single submitter. Criteria: Invitae Variant Classification Sherloc (09022015). Collection method: clinical testing. Allele origin: germline.
Comment: This sequence change replaces methionine, which is neutral and non-polar, with isoleucine, which is neutral and non-polar, at codon 2275 of the EPG5 protein (p.Met2275Ile). This variant is present in population databases (rs768330083, gnomAD 0.01%). This variant has not been reported in the literature in individuals affected with EPG5-related conditions. ClinVar contains an entry for this variant (Variation ID: 1052914). Algorithms developed to predict the effect of missense changes on protein structure and function are either unavailable or do not agree on the potential impact of this missense change (SIFT: "Tolerated"; PolyPhen-2: "Possibly Damaging"; Align-GVGD: "Class C0"). In summary, the available evidence is currently insufficient to determine the role of this variant in disease. Therefore, it has been classified as a Variant of Uncertain Significance.

GeneDx
Classification: Uncertain significance. Last evaluated: 2021-01-22. Review status: criteria provided, single submitter. Criteria: GeneDx Variant Classification Process June 2021. Collection method: clinical testing. Allele origin: germline. Affected: yes.
Comment: In silico analysis supports that this missense variant does not alter protein structure/function; Has not been previously published as pathogenic or benign to our knowledge